The following is an entry in ClinVar:

NM_153033.5(KCTD7):c.145-2A>G

Gene: KCTD7 (potassium channel tetramerization domain containing 7; plus strand). Cytogenetic location: 7q11.21.
Variant type: single nucleotide variant.
Coding change: c.145-2A>G on transcript NM_153033.5 (MANE Select); the canonical splice acceptor site of the intron before coding-DNA position 145, A replaced by G.
Molecular consequence: splice acceptor variant.
Genome position (GRCh38, 1-based): chr7:66,633,273, A>G. VCF-style: chr7-66633273-A-G. GRCh37 (hg19) VCF-style: chr7-66098260-A-G.
Other names: c.145-2A>G (NM_001167961.2).
Identifiers: ClinVar variation 520584 (VCV000520584.16), dbSNP rs1554397774, ClinGen allele CA367695426.

ClinVar aggregate classification (germline): Likely pathogenic. Review status: criteria provided, multiple submitters, no conflicts (2 of 4 stars). 4 submissions from 4 submitters: Likely pathogenic (4). Last evaluated 2024-06-03.

Conditions:
Inborn genetic diseases. Identifiers: MedGen C0950123, MeSH D030342.
Progressive myoclonic epilepsy. Also called: Familial progressive myoclonic epilepsy; Progressive myoclonus epilepsy; Myoclonic Epilepsies, Progressive; Myoclonus epilepsy. Identifiers: Orphanet 308, Orphanet 98261, MedGen C0751778, MONDO:0020074.
Progressive myoclonic epilepsy type 3. Also called: KCTD7-Related Progressive Myoclonic Epilepsy; EPILEPSY, PROGRESSIVE MYOCLONIC, 3, WITH OR WITHOUT INTRACELLULAR INCLUSIONS; CEROID LIPOFUSCINOSIS, NEURONAL, 14; EPILEPSY, PROGRESSIVE MYOCLONIC, 3, WITHOUT INTRACELLULAR INCLUSIONS. Identifiers: Orphanet 263516, MedGen C2673257, MONDO:0012721, OMIM 611726.

Allele frequency attached by ClinVar (database versions not stated): TOPMed 0.00001.
gnomAD v4.1: 5 of 1,613,760 alleles (0.00031%); highest among the groups gnomAD compares: Non-Finnish European, 0.00034%; no homozygotes.

Submissions (4):

Labcorp Genetics (formerly Invitae), Labcorp
Classification: Likely pathogenic for Progressive myoclonic epilepsy type 3. Last evaluated: 2024-06-03. Review status: criteria provided, single submitter. Criteria: Invitae Variant Classification Sherloc (09022015). Collection method: clinical testing. Allele origin: germline.
Comment: This sequence change affects an acceptor splice site in intron 1 of the KCTD7 gene. It is expected to disrupt RNA splicing. Variants that disrupt the donor or acceptor splice site typically lead to a loss of protein function (PMID: 16199547), and loss-of-function variants in KCTD7 are known to be pathogenic (PMID: 22693283). This variant is not present in population databases (gnomAD no frequency). Disruption of this splice site has been observed in individual(s) with progressive myoclonus epilepsy (PMID: 26795593). ClinVar contains an entry for this variant (Variation ID: 520584). Algorithms developed to predict the effect of sequence changes on RNA splicing suggest that this variant may disrupt the consensus splice site. In summary, the currently available evidence indicates that the variant is pathogenic, but additional data are needed to prove that conclusively. Therefore, this variant has been classified as Likely Pathogenic.

Department of Pathology and Laboratory Medicine, Sinai Health System
Classification: Likely pathogenic for progressive myoclonus epilepsy. Last evaluated: 2021-12-02. Review status: criteria provided, single submitter. Criteria: ACMG Guidelines, 2015. Collection method: research. Allele origin: germline.

New York Genome Center
Classification: Likely pathogenic for Progressive myoclonic epilepsy type 3. Last evaluated: 2020-08-14. Review status: criteria provided, single submitter. Criteria: NYGC Assertion Criteria 2020. Collection method: clinical testing. Allele origin: inherited. Observed: 1 heterozygote. Study: CSER-NYCKidSeq.

Ambry Genetics
Classification: Likely pathogenic for Inborn genetic diseases. Last evaluated: 2014-10-23. Review status: criteria provided, single submitter. Criteria: Ambry Variant Classification Scheme 2023. Collection method: clinical testing. Allele origin: germline.
Comment: The c.145-2A>G intronic alteration consists of a A to G substitution 2 nucleotides before coding exon 2 in the KCTD7 gene. The alteration is not observed in healthy cohorts:_x000D_ Based on data from the NHLBI Exome Sequencing Project (ESP), the KCTD7 c.145-2A>G alteration was not observed among 6,503 individuals tested. Allele frequency data for this nucleotide position are not currently available from the 1000 Genomes Project and the alteration is not currently listed in the Database of Single Nucleotide Polymorphisms (dbSNP)._x000D_ Though some variants may appear to be rare due to database-specific ethnic underrepresentation, rare missense alleles commonly exhibit a deleterious effect on protein function (Kryukov, 2007; Tennessen, 2012). IF USED, PULL THESE INTO REFERENCES:_x000D_ Kryukov GV, et al. (2007) Am J Hum Genet 80:727-739. Tennessen JA, et al. (2012) Science 337(64):64-69. The alteration is predicted to affect splicing by in silico models:_x000D_ Based on BDGP and ESEfinder splice site in silico tools, this alteration is predicted to abolish the native splice acceptor site; however, direct evidence is unavailable. Based on the available evidence, this alteration is classified as likely pathogenic.

Literature cited by the submitters: PubMed 16199547 (cited by Labcorp Genetics (formerly Invitae), Labcorp); PubMed 22693283 (cited by Labcorp Genetics (formerly Invitae), Labcorp); PubMed 26795593 (cited by Labcorp Genetics (formerly Invitae), Labcorp).